The following is an entry in ClinVar:

NM_004168.4(SDHA):c.830C>T (p.Thr277Met)

Gene: SDHA (succinate dehydrogenase complex flavoprotein subunit A; plus strand). Cytogenetic location: 5p15.33.
Variant type: single nucleotide variant.
Coding change: c.830C>T on transcript NM_004168.4 (MANE Select); coding-DNA position 830, C replaced by T.
Protein change: p.Thr277Met; replaces threonine 277 with methionine.
Molecular consequence: missense variant.
Genome position (GRCh38, 1-based): chr5:230,935, C>T. VCF-style: chr5-230935-C-T. GRCh37 (hg19) VCF-style: chr5-231050-C-T.
Other names: c.686C>T, p.Thr229Met (NM_001294332.2); c.830C>T, p.Thr277Met (NM_001330758.2); short protein forms T277M, T229M.
Identifiers: ClinVar variation 222817 (VCV000222817.37), dbSNP rs367721665, ClinGen allele CA069792.

ClinVar aggregate classification (germline): Conflicting classifications of pathogenicity. Review status: criteria provided, conflicting classifications (1 of 4 stars). 14 submissions from 12 submitters: Uncertain significance (10); Benign (1); Likely benign (2). 1 of the submissions does not count toward it. Last evaluated 2026-02-04.

Conditions:
Dilated cardiomyopathy 1GG (CMD1GG). Identifiers: Orphanet 154, MedGen C3150898, MONDO:0013339, OMIM 613642.
Pheochromocytoma/paraganglioma syndrome 5. Also called: Paragangliomas 5; SDHA-Related Hereditary Paraganglioma-Pheochromocytoma Syndrome. Identifiers: Orphanet 29072, MedGen C3279992, MONDO:0013602, OMIM 614165.
Mitochondrial complex II deficiency, nuclear type 1. Also called: SUCCINATE CoQ REDUCTASE DEFICIENCY. Identifiers: Orphanet 3208, MedGen C5700310, MONDO:0100294, OMIM 252011.
Neurodegeneration with ataxia and late-onset optic atrophy. Identifiers: MedGen C5543254, MONDO:0031006, OMIM 619259.
SDHA-related disorder. Also called: SDHA-related condition; SDHA-related disorders.
Hereditary cancer-predisposing syndrome. Also called: Neoplastic Syndromes, Hereditary; Tumor predisposition; Hereditary Cancer Syndrome; Hereditary neoplastic syndrome. Identifiers: Orphanet 140162, MedGen C0027672, MeSH D009386, MONDO:0015356.
Hereditary pheochromocytoma and paraganglioma. Also called: Hereditary Paraganglioma-Pheochromocytoma Syndromes; Hereditary pheochromocytoma-paraganglioma; Hereditary paragangliomas and pheochromocytomas. Identifiers: Orphanet 29072, MedGen C4274332, MONDO:0017366.
Leigh syndrome (NULS). Also called: Leigh Disease; Subacute necrotizing encephalopathy; Necrotizing encephalopathy infantile subacute of Leigh; LEIGH SYNDROME, NUCLEAR; Leigh's necrotizing encephalopathy; Leigh's disease. Identifiers: Orphanet 506, MedGen C2931891, MONDO:0009723, OMIM 256000.

Allele frequency attached by ClinVar (database versions not stated): gnomAD exomes 0.00010; TOPMed 0.00012; ESP Exome Variant Server 0.00015.
gnomAD v4.1: 163 of 1,613,876 alleles (0.01%); highest among the groups gnomAD compares: Non-Finnish European, 0.013%; no homozygotes.

Submissions (14):

PreventionGenetics, part of Exact Sciences
Classification: Uncertain significance for SDHA-related condition. Last evaluated: 2026-02-04. Review status: criteria provided, single submitter. Criteria: ACMG Guidelines, 2015. Collection method: clinical testing. Allele origin: germline.
Comment: The SDHA c.830C>T variant is predicted to result in the amino acid substitution p.Thr277Met. This variant was also identified in several individuals without a personal or family history of paraganglioma or pheochromocytoma (Rana et al. 2024. PubMed ID: 38473309). This variant is reported in 0.018% of alleles in individuals of European (Non-Finnish) descent in gnomAD and has conflicting interpretations regarding its pathogenicity in ClinVar, ranging from uncertain significance to benign (Variation ID: 222817). At this time, the clinical significance of this variant is uncertain due to the absence of conclusive functional and genetic evidence.

Labcorp Genetics (formerly Invitae), Labcorp
Classification: Likely benign for Pheochromocytoma/paraganglioma syndrome 5; Mitochondrial complex II deficiency, nuclear type 1. Last evaluated: 2026-01-26. Review status: criteria provided, single submitter. Criteria: Invitae Variant Classification Sherloc (09022015). Collection method: clinical testing. Allele origin: germline.

Dasa
Classification: Uncertain significance. Last evaluated: 2025-04-16. Review status: criteria provided, single submitter. Criteria: DASA Assertion Criteria. Collection method: clinical testing. Allele origin: germline.
Comment: NM_004168.4(SDHA):c.830C>T (p.Thr277Met) is a missense variant that results in the substitution of threonine with methionine. This variant is rare in population databases. Computational prediction algorithms are consistent with a benign effect. The currently available literature and clinical evidence are not sufficient to establish a definitive association between this variant and the reported condition. Therefore, this variant is classified as a variant of uncertain significance.

GeneDx
Classification: Uncertain significance. Last evaluated: 2024-11-25. Review status: criteria provided, single submitter. Criteria: GeneDx Variant Classification Process June 2021. Collection method: clinical testing. Allele origin: germline. Affected: yes.
Comment: Observed in an individual with an adrenal paraganglioma (PMID: 28384794); In silico analysis indicates that this missense variant does not alter protein structure/function; This variant is associated with the following publications: (PMID: 28798025, 35883565, 28384794, 28546994, 30775854, 32570879, 29978154, 38473309)

Blueprint Genetics
Classification: Uncertain significance. Last evaluated: 2024-10-29. Review status: criteria provided, single submitter. Criteria: ACMG Guidelines, 2015. Collection method: clinical testing. Allele origin: germline.

Ambry Genetics
Classification: Uncertain significance for Hereditary cancer-predisposing syndrome. Last evaluated: 2024-05-21. Review status: criteria provided, single submitter. Criteria: Ambry Variant Classification Scheme 2023. Collection method: clinical testing. Allele origin: germline.
Comment: The p.T277M variant (also known as c.830C>T), located in coding exon 7 of the SDHA gene, results from a C to T substitution at nucleotide position 830. The threonine at codon 277 is replaced by methionine, an amino acid with similar properties. This amino acid position is not well conserved in available vertebrate species. In addition, this alteration is predicted to be tolerated by in silico analysis. Based on the available evidence, the clinical significance of this variant remains unclear.

Baylor Genetics
Classification: Uncertain significance for Dilated cardiomyopathy 1GG. Last evaluated: 2024-03-22. Review status: criteria provided, single submitter. Criteria: ACMG Guidelines, 2015. Collection method: clinical testing. Allele origin: unknown.

Fulgent Genetics
Classification: Uncertain significance for Mitochondrial complex II deficiency, nuclear type 1; Dilated cardiomyopathy 1GG; Pheochromocytoma/paraganglioma syndrome 5; Neurodegeneration with ataxia and late-onset optic atrophy. Last evaluated: 2024-01-26. Review status: criteria provided, single submitter. Criteria: ACMG Guidelines, 2015. Collection method: clinical testing. Allele origin: germline.

Quest Diagnostics Nichols Institute San Juan Capistrano
Classification: Uncertain significance. Last evaluated: 2023-09-19. Review status: criteria provided, single submitter. Criteria: Quest Diagnostics criteria. Collection method: clinical testing. Allele origin: unknown.
Comment: In the published literature, this variant has been reported in individuals affected with PPGL (PMID: 28384794 (2017)) and a rare cancer (PMID: 32570879 (2020)). The variant has also been reported in individuals affected with a cardiomyopathy (PMIDs: 28798025 (2017), 30775854 (2019)). The frequency of this variant in the general population, 0.00018 (20/113552 chromosomes (Genome Aggregation Database)), is uninformative in the assessment of its pathogenicity. Analysis of this variant using bioinformatics tools for the prediction of the effect of amino acid changes on protein structure and function yielded predictions that this variant is benign. Based on the available information, we are unable to determine the clinical significance of this variant.

Myriad Genetics, Inc.
Classification: Likely benign for Pheochromocytoma/paraganglioma syndrome 5. Last evaluated: 2023-04-24. Review status: criteria provided, single submitter. Criteria: Myriad Autosomal Dominant, Autosomal Recessive and X-Linked Classification Criteria (2023). Collection method: clinical testing. Allele origin: unknown.
Comment: This variant is considered likely benign. This variant has been observed at a population frequency that is significantly greater than expected given the associated disease prevalence and penetrance.

Illumina Laboratory Services, Illumina
Classification: Benign for Hereditary Paraganglioma-Pheochromocytoma Syndromes. Last evaluated: 2018-01-12. Review status: criteria provided, single submitter. Criteria: ICSL Variant Classification Criteria 13 December 2019. Collection method: clinical testing. Allele origin: germline.
Comment: This variant was observed in the ICSL laboratory as part of a predisposition screen in an ostensibly healthy population. It had not been previously curated by ICSL or reported in the Human Gene Mutation Database (HGMD: prior to June 1st, 2018), and was therefore a candidate for classification through an automated scoring system. Utilizing variant allele frequency, disease prevalence and penetrance estimates, and inheritance mode, an automated score was calculated to assess if this variant is too frequent to cause the disease. Based on the score and internal cut-off values, a variant classified as benign is not then subjected to further curation. The score for this variant resulted in a classification of benign for this disease.

Illumina Laboratory Services, Illumina
Classification: Uncertain significance for Mitochondrial complex II deficiency, nuclear type 1. Last evaluated: 2018-01-12. Review status: criteria provided, single submitter. Criteria: ICSL Variant Classification Criteria 13 December 2019. Collection method: clinical testing. Allele origin: germline.

Illumina Laboratory Services, Illumina
Classification: Uncertain significance for Leigh syndrome. Last evaluated: 2018-01-12. Review status: criteria provided, single submitter. Criteria: ICSL Variant Classification Criteria 13 December 2019. Collection method: clinical testing. Allele origin: germline.

Counsyl
Classification: Uncertain significance for Pheochromocytoma/paraganglioma syndrome 5. Last evaluated: 2016-06-22. Review status: no assertion criteria provided. Collection method: clinical testing. Allele origin: unknown. Not counted in ClinVar's aggregate classification.

Literature cited by the submitters: PubMed 28384794 (cited by Ambry Genetics and Quest Diagnostics Nichols Institute San Juan Capistrano); PubMed 38473309 (cited by Ambry Genetics); PubMed 28798025 (cited by Quest Diagnostics Nichols Institute San Juan Capistrano); PubMed 32570879 (cited by Quest Diagnostics Nichols Institute San Juan Capistrano); PubMed 30775854 (cited by Quest Diagnostics Nichols Institute San Juan Capistrano); PubMed 29978154 (cited by Quest Diagnostics Nichols Institute San Juan Capistrano); PubMed 28546994 (cited by Quest Diagnostics Nichols Institute San Juan Capistrano).